The following is an entry in ClinVar:

NM_000531.6(OTC):c.401T>C (p.Met134Thr)

Gene: OTC (ornithine transcarbamylase; plus strand). Cytogenetic location: Xp11.4.
Variant type: single nucleotide variant.
Coding change: c.401T>C on transcript NM_000531.6 (MANE Select); coding-DNA position 401, T replaced by C.
Protein change: p.Met134Thr; replaces methionine 134 with threonine.
Molecular consequence: missense variant.
Genome position (GRCh38, 1-based): chrX:38,401,289, T>C. VCF-style: chrX-38401289-T-C. GRCh37 (hg19) VCF-style: chrX-38260542-T-C.
Other names: short protein forms M134T.
Identifiers: ClinVar variation 952678 (VCV000952678.3), dbSNP rs1380616457, ClinGen allele CA412722971.

ClinVar aggregate classification (germline): Uncertain significance (1 of 4 stars; one submission).

Conditions:
Ornithine carbamoyltransferase deficiency (OTCD). Also called: ORNITHINE TRANSCARBAMYLASE DEFICIENCY; ORNITHINE TRANSCARBAMYLASE DEFICIENCY, HYPERAMMONEMIA DUE TO; OTC DEFICIENCY; Ornithine Carbamoyltransferase Deficiency Disease. Identifiers: Orphanet 664, MedGen C0268542, MONDO:0010703, OMIM 311250.

Allele frequency attached by ClinVar (database versions not stated): gnomAD exomes below 0.00001 and 0.00001.

Submission:

Labcorp Genetics (formerly Invitae), Labcorp
Classification: Uncertain significance for Ornithine carbamoyltransferase deficiency. Last evaluated: 2021-08-30. Review status: criteria provided, single submitter. Criteria: Invitae Variant Classification Sherloc (09022015). Collection method: clinical testing. Allele origin: germline.
Comment: This sequence change replaces methionine with threonine at codon 134 of the OTC protein (p.Met134Thr). The methionine residue is highly conserved and there is a moderate physicochemical difference between methionine and threonine. This variant is not present in population databases (ExAC no frequency). This variant has not been reported in the literature in individuals affected with OTC-related conditions. Algorithms developed to predict the effect of missense changes on protein structure and function are either unavailable or do not agree on the potential impact of this missense change (SIFT: "Deleterious"; PolyPhen-2: "Benign"; Align-GVGD: "Class C0"). In summary, the available evidence is currently insufficient to determine the role of this variant in disease. Therefore, it has been classified as a Variant of Uncertain Significance.